The following is an entry in ClinVar:

NM_004453.4(ETFDH):c.405G>A (p.Gly135=)

Gene: ETFDH (electron transfer flavoprotein dehydrogenase; plus strand). Cytogenetic location: 4q32.1.
Variant type: single nucleotide variant.
Coding change: c.405G>A on transcript NM_004453.4 (MANE Select); coding-DNA position 405, G replaced by A.
Protein change: p.Gly135=; no amino-acid change (glycine 135 retained).
Molecular consequence: synonymous variant.
Genome position (GRCh38, 1-based): chr4:158,682,424, G>A. VCF-style: chr4-158682424-G-A. GRCh37 (hg19) VCF-style: chr4-159603576-G-A.
Other names: c.264G>A, p.Gly88= (NM_001281737.2); c.222G>A, p.Gly74= (NM_001281738.1).
Identifiers: ClinVar variation 2911845 (VCV002911845.2), dbSNP rs746571008, ClinGen allele CA3122333.

ClinVar aggregate classification (germline): Uncertain significance (1 of 4 stars; one submission).

Conditions:
Multiple acyl-CoA dehydrogenase deficiency (MADD). Also called: ETHYLMALONIC-ADIPICACIDURIA; GA II; Glutaric Acidemia type 2; Glutaric aciduria, type 2; Glutaric acidemia type II; GA 2. Identifiers: Orphanet 26791, MedGen C0268596, MONDO:0009282, OMIM 231680.

Allele frequency attached by ClinVar (database versions not stated): gnomAD exomes 0.00001; gnomAD 0.00002; TOPMed 0.00002; ExAC 0.00003.
gnomAD v4.1: 9 of 1,611,188 alleles (0.00056%); highest among the groups gnomAD compares: Admixed American, 0.013%; no homozygotes.

Submission:

Labcorp Genetics (formerly Invitae), Labcorp
Classification: Uncertain significance for Multiple acyl-CoA dehydrogenase deficiency. Last evaluated: 2023-05-31. Review status: criteria provided, single submitter. Criteria: Invitae Variant Classification Sherloc (09022015). Collection method: clinical testing. Allele origin: germline.
Comment: Variants that disrupt the consensus splice site are a relatively common cause of aberrant splicing (PMID: 17576681, 9536098). Algorithms developed to predict the effect of sequence changes on RNA splicing suggest that this variant may create or strengthen a splice site. In summary, the available evidence is currently insufficient to determine the role of this variant in disease. Therefore, it has been classified as a Variant of Uncertain Significance. This variant has not been reported in the literature in individuals affected with ETFDH-related conditions. This sequence change affects codon 135 of the ETFDH mRNA. It is a 'silent' change, meaning that it does not change the encoded amino acid sequence of the ETFDH protein. This variant also falls at the last nucleotide of exon 3, which is part of the consensus splice site for this exon. This variant is present in population databases (rs746571008, gnomAD 0.006%).

Literature cited by the submitters: PubMed 17576681; PubMed 9536098.